The following is an entry in ClinVar:

ClinVar aggregate classification (germline): Uncertain significance (1 of 4 stars; one submission).

Submission:

Labcorp Genetics (formerly Invitae), Labcorp
Classification: Uncertain significance. Last evaluated: 2025-02-23. Review status: criteria provided, single submitter. Criteria: Invitae Variant Classification Sherloc (09022015). Collection method: clinical testing. Allele origin: germline.
Comment: This variant, c.559_561del, results in the deletion of 1 amino acid(s) of the IRF9 protein (p.Ser187del), but otherwise preserves the integrity of the reading frame. The frequency data for this variant in the population databases is considered unreliable, as metrics indicate poor data quality at this position in the gnomAD database. This variant has not been reported in the literature in individuals affected with IRF9-related conditions. Experimental studies and prediction algorithms are not available or were not evaluated, and the functional significance of this variant is currently unknown. In summary, the available evidence is currently insufficient to determine the role of this variant in disease. Therefore, it has been classified as a Variant of Uncertain Significance.

NM_006084.5(IRF9):c.541AGC[6] (p.Ser187del)

Gene: IRF9 (interferon regulatory factor 9; plus strand). Cytogenetic location: 14q12.
Variant type: Microsatellite.
Coding change: c.541AGC[6] on transcript NM_006084.5 (MANE Select); six copies in a row of the 3-base unit AGC starting at c.541; the reference has seven copies in a row; one copy, 3 bases deleted.
Protein change: p.Ser187del; deletes serine 187.
Genome position (GRCh38, 1-based): chr14:24,163,941-24,163,943, AGC deleted; deleting any 3 consecutive bases within chr14:24,163,923-24,163,943 gives the same sequence; the position shown is the placement nearest the transcript's 3' end. VCF-style (leftmost placement, unchanged base first): chr14-24163922-GAGC-G. GRCh37 (hg19) VCF-style: chr14-24633131-GAGC-G.
Other names: c.541AGC[6], p.Ser187del (NM_001385400.1, NM_001385401.1, NM_001385402.1); short protein forms S187del.
Identifiers: ClinVar variation 4810907 (VCV004810907.1).